The following is an entry in ClinVar:

ClinVar aggregate classification (germline): Uncertain significance. Review status: criteria provided, multiple submitters, no conflicts (2 of 4 stars). 3 submissions from 3 submitters: Uncertain significance (3). Last evaluated 2024-04-11.

Conditions:
DICER1-related tumor predisposition. Also called: DICER1 syndrome; DICER1-related pleuropulmonary blastoma cancer predisposition syndrome. Identifiers: Orphanet 284343, MedGen C3839822, MONDO:0100216.
Hereditary cancer-predisposing syndrome. Also called: Neoplastic Syndromes, Hereditary; Hereditary neoplastic syndrome; Tumor predisposition; Hereditary Cancer Syndrome. Identifiers: Orphanet 140162, MedGen C0027672, MeSH D009386, MONDO:0015356.
Global developmental delay - lung cysts - overgrowth - Wilms tumor syndrome. Also called: GLOW Syndrome; GLOBAL DEVELOPMENTAL DELAY, LUNG CYSTS, OVERGROWTH, AND WILMS TUMOR. Identifiers: Orphanet 404476, MedGen C4748924, MONDO:0018445, OMIM 618272.

Allele frequency attached by ClinVar (database versions not stated): gnomAD exomes below 0.00001.
gnomAD v4.1: 1 of 1,614,218 alleles (0.000062%); highest among the groups gnomAD compares: East Asian, 0.0022%; no homozygotes.

Submissions (3):

Labcorp Genetics (formerly Invitae), Labcorp
Classification: Uncertain significance for DICER1-related tumor predisposition. Last evaluated: 2024-04-11. Review status: criteria provided, single submitter. Criteria: Invitae Variant Classification Sherloc (09022015). Collection method: clinical testing. Allele origin: germline.
Comment: This sequence change replaces isoleucine, which is neutral and non-polar, with valine, which is neutral and non-polar, at codon 1594 of the DICER1 protein (p.Ile1594Val). This variant is not present in population databases (gnomAD no frequency). This variant has not been reported in the literature in individuals affected with DICER1-related conditions. ClinVar contains an entry for this variant (Variation ID: 841449). Advanced modeling of protein sequence and biophysical properties (such as structural, functional, and spatial information, amino acid conservation, physicochemical variation, residue mobility, and thermodynamic stability) performed at Invitae indicates that this missense variant is not expected to disrupt DICER1 protein function with a negative predictive value of 80%. In summary, the available evidence is currently insufficient to determine the role of this variant in disease. Therefore, it has been classified as a Variant of Uncertain Significance.

Baylor Genetics
Classification: Uncertain significance for Global developmental delay - lung cysts - overgrowth - Wilms tumor syndrome. Last evaluated: 2023-10-12. Review status: criteria provided, single submitter. Criteria: ACMG Guidelines, 2015. Collection method: clinical testing. Allele origin: unknown.

Ambry Genetics
Classification: Uncertain significance for Hereditary cancer-predisposing syndrome. Last evaluated: 2023-08-11. Review status: criteria provided, single submitter. Criteria: Ambry Variant Classification Scheme 2023. Collection method: clinical testing. Allele origin: germline.
Comment: The p.I1594V variant (also known as c.4780A>G), located in coding exon 22 of the DICER1 gene, results from an A to G substitution at nucleotide position 4780. The isoleucine at codon 1594 is replaced by valine, an amino acid with highly similar properties. This amino acid position is conserved. In addition, this alteration is predicted to be tolerated by in silico analysis. Since supporting evidence is limited at this time, the clinical significance of this alteration remains unclear.

NM_177438.3(DICER1):c.4780A>G (p.Ile1594Val)

Gene: DICER1 (dicer 1, ribonuclease III; minus strand). Cytogenetic location: 14q32.13.
Variant type: single nucleotide variant.
Coding change: c.4780A>G on transcript NM_177438.3 (MANE Select); coding-DNA position 4780, A replaced by G.
Protein change: p.Ile1594Val; replaces isoleucine 1594 with valine.
Molecular consequence: missense variant.
Genome position (GRCh38, 1-based): chr14:95,096,140, T>C on the plus strand (A>G on the coding strand, the complement: DICER1 is on the minus strand). VCF-style: chr14-95096140-T-C. GRCh37 (hg19) VCF-style: chr14-95562477-T-C.
Other names: c.4780A>G, p.Ile1594Val (NM_001195573.1, NM_001271282.3, NM_001291628.2 and 1 more transcripts); short protein forms I1594V.
Identifiers: ClinVar variation 841449 (VCV000841449.13), dbSNP rs1890306057, ClinGen allele CA390867199.